The following is an entry in ClinVar:

NM_001134363.3(RBM20):c.3185T>C (p.Phe1062Ser)

Gene: RBM20 (RNA binding motif protein 20; plus strand). Cytogenetic location: 10q25.2.
Variant type: single nucleotide variant.
Coding change: c.3185T>C on transcript NM_001134363.3 (MANE Select); coding-DNA position 3185, T replaced by C.
Protein change: p.Phe1062Ser; replaces phenylalanine 1062 with serine.
Molecular consequence: missense variant.
Genome position (GRCh38, 1-based): chr10:110,821,804, T>C. VCF-style: chr10-110821804-T-C. GRCh37 (hg19) VCF-style: chr10-112581562-T-C.
Other names: short protein forms F1062S.
Identifiers: ClinVar variation 505584 (VCV000505584.17), dbSNP rs1479765434, ClinGen allele CA378381642.
Genomic context (GRCh38, chr10:110,821,804, plus strand): 5'-CAGTCCAGCAAATGTCTTCCCCTAAGCCAGCAGAGGAGAGGGCCCGGCAGCCAAGCCCAT[T>C]TGTGGATGATTGCAAGACCAGGGGGACCCCCGAAGATGGGGCTTGTGAAGGCAGCCCCCT-3'
Protein context (NP_001127835.2, residues 1052-1072): AEERARQPSP[Phe1062Ser]VDDCKTRGTP

ClinVar aggregate classification (germline): Conflicting classifications of pathogenicity. Review status: criteria provided, conflicting classifications (1 of 4 stars). 4 submissions from 4 submitters: Uncertain significance (2); Likely benign (2). Last evaluated 2025-11-12.

Conditions:
Cardiovascular phenotype. Identifiers: MedGen CN230736.
Dilated cardiomyopathy 1DD (CMD1DD). Identifiers: Orphanet 154, MedGen C2750995, MONDO:0013168, OMIM 613172.

Allele frequency attached by ClinVar (database versions not stated): gnomAD exomes 0.00001; gnomAD 0.00002; TOPMed 0.00002.
gnomAD v4.1: 12 of 1,551,492 alleles (0.00077%); highest among the groups gnomAD compares: Middle Eastern, 0.017%; no homozygotes.

Submissions (4):

Labcorp Genetics (formerly Invitae), Labcorp
Classification: Likely benign for Dilated cardiomyopathy 1DD. Last evaluated: 2025-11-12. Review status: criteria provided, single submitter. Criteria: Invitae Variant Classification Sherloc (09022015). Collection method: clinical testing. Allele origin: germline.

Ambry Genetics
Classification: Uncertain significance for Cardiovascular phenotype. Last evaluated: 2025-09-18. Review status: criteria provided, single submitter. Criteria: Ambry Variant Classification Scheme 2023. Collection method: clinical testing. Allele origin: germline.
Comment: The p.F1062S variant (also known as c.3185T>C), located in coding exon 11 of the RBM20 gene, results from a T to C substitution at nucleotide position 3185. The phenylalanine at codon 1062 is replaced by serine, an amino acid with highly dissimilar properties. This amino acid position is conserved. In addition, the in silico prediction for this alteration is inconclusive. Since supporting evidence is limited at this time, the clinical significance of this alteration remains unclear.

GeneDx
Classification: Uncertain significance. Last evaluated: 2024-02-05. Review status: criteria provided, single submitter. Criteria: GeneDx Variant Classification Process June 2021. Collection method: clinical testing. Allele origin: germline. Affected: yes.
Comment: Not observed at significant frequency in large population cohorts (gnomAD); In silico analysis supports that this missense variant does not alter protein structure/function; Has not been previously published as pathogenic or benign to our knowledge

Laboratory for Molecular Medicine, Mass General Brigham Personalized Medicine
Classification: Likely benign. Last evaluated: 2017-03-30. Review status: criteria provided, single submitter. Criteria: LMM Criteria. Collection method: clinical testing. Allele origin: germline. Observed: 1 variant allele.
Comment: p.Phe1062Ser in exon 11 of RBM20: This variant is not expected to have clinical significance due to a lack of conservation across species, including mammals. Of note, 3 species (camel, alpaca, star-nosed mole) have a serine (Ser) at this po sition despite high nearby amino acid conservation. In addition, computational p rediction tools do not suggest a high likelihood of impact to the protein.